The following is an entry in ClinVar:

ClinVar aggregate classification (germline): Conflicting classifications of pathogenicity. Review status: criteria provided, conflicting classifications (1 of 4 stars). 3 submissions from 3 submitters: Pathogenic (1); Uncertain significance (1). 1 of the submissions does not count toward it. Last evaluated 2024-03-25.

Conditions:
Charcot-Marie-Tooth Neuropathy X. Identifiers: MedGen CN118851.
Arts syndrome (ARTS). Also called: MENTAL RETARDATION, X-LINKED, SYNDROMIC 18; MENTAL RETARDATION, X-LINKED, SYNDROMIC, ARTS TYPE; ARTS SYNDROME AND PHOSPHORIBOSYLPYROPHOSPHATE SYNTHETASE SUPERACTIVITY. Identifiers: Orphanet 1187, MedGen C0796028, MONDO:0010533, OMIM 301835.

Submissions (3):

GeneDx
Classification: Pathogenic. Last evaluated: 2024-03-25. Review status: criteria provided, single submitter. Criteria: GeneDx Variant Classification Process June 2021. Collection method: clinical testing. Allele origin: germline. Affected: yes.
Comment: Not observed at significant frequency in large population cohorts (gnomAD); In silico analysis supports that this missense variant has a deleterious effect on protein structure/function; Has not been previously published as pathogenic or benign to our knowledge

Labcorp Genetics (formerly Invitae), Labcorp
Classification: Uncertain significance for Charcot-Marie-Tooth Neuropathy X. Last evaluated: 2022-04-06. Review status: criteria provided, single submitter. Criteria: Invitae Variant Classification Sherloc (09022015). Collection method: clinical testing. Allele origin: germline.
Comment: This variant is not present in population databases (gnomAD no frequency). In summary, the available evidence is currently insufficient to determine the role of this variant in disease. Therefore, it has been classified as a Variant of Uncertain Significance. Algorithms developed to predict the effect of missense changes on protein structure and function are either unavailable or do not agree on the potential impact of this missense change (SIFT: "Deleterious"; PolyPhen-2: "Probably Damaging"; Align-GVGD: "Class C0"). This variant has not been reported in the literature in individuals affected with PRPS1-related conditions. This sequence change replaces arginine, which is basic and polar, with tryptophan, which is neutral and slightly polar, at codon 96 of the PRPS1 protein (p.Arg96Trp).

Department of Rehabilitation, Anhui Provincial Children's Hospital
Classification: Likely pathogenic for Arts syndrome. Last evaluated: 2023-10-18. Review status: no assertion criteria provided. Collection method: clinical testing. Allele origin: de novo. Affected: yes. Not counted in ClinVar's aggregate classification.
Comment: This variant is a de novo mutation confirmed through familial analysis. REVEL prediction results suggest that this variant has a damaging effect on the gene or gene product. Missense variants in this gene are a common pathogenic mechanism for the associated disease phenotype, with a lower frequency of benign missense variants.

NM_002764.4(PRPS1):c.286C>T (p.Arg96Trp)

Gene: PRPS1 (phosphoribosyl pyrophosphate synthetase 1; plus strand). Cytogenetic location: Xq22.3.
Variant type: single nucleotide variant.
Coding change: c.286C>T on transcript NM_002764.4 (MANE Select); coding-DNA position 286, C replaced by T.
Protein change: p.Arg96Trp; replaces arginine 96 with tryptophan.
Molecular consequence: missense variant. On other transcripts: intron variant (1).
Genome position (GRCh38, 1-based): chrX:107,639,458, C>T. VCF-style: chrX-107639458-C-T. GRCh37 (hg19) VCF-style: chrX-106882688-C-T.
Other names: c.-82-5719C>T (NM_001204402.2); short protein forms R96W.
Identifiers: ClinVar variation 2122132 (VCV002122132.6), dbSNP rs2521336794, ClinGen allele CA413805635.
Genomic context (GRCh38, chrX:107,639,458, plus strand): 5'-GCCTGCAAGATTGCTTCAGCCAGCCGGGTTACTGCAGTCATCCCATGCTTCCCTTATGCC[C>T]GGCAGGATAAGAAAGATAAGGTAGGAGCAGAATTTTATTTTTTGAGCAGAGGAAGCAGGA-3'
Protein context (NP_002755.1, residues 86-106): TAVIPCFPYA[Arg96Trp]QDKKDKSRAP